The following is an entry in ClinVar:

ClinVar aggregate classification (germline): Uncertain significance. Review status: criteria provided, multiple submitters, no conflicts (2 of 4 stars). 2 submissions from 2 submitters: Uncertain significance (2). Last evaluated 2025-03-19.

Conditions:
EHHADH-related disorder. Also called: EHHADH-related condition.

Submissions (2):

PreventionGenetics, part of Exact Sciences
Classification: Uncertain significance for EHHADH-related condition. Last evaluated: 2025-03-19. Review status: criteria provided, single submitter. Criteria: ACMG Guidelines, 2015. Collection method: clinical testing. Allele origin: germline.
Comment: The EHHADH c.445C>G variant is predicted to result in the amino acid substitution p.Leu149Val. To our knowledge, this variant has not been reported in the literature or in a large population database (gnomAD), indicating this variant is rare. At this time, the clinical significance of this variant is uncertain due to the absence of conclusive functional and genetic evidence.

Ambry Genetics
Classification: Uncertain significance. Last evaluated: 2024-01-02. Review status: criteria provided, single submitter. Criteria: Ambry Variant Classification Scheme 2023. Collection method: clinical testing. Allele origin: germline.

NM_001966.4(EHHADH):c.445C>G (p.Leu149Val)

Gene: EHHADH (enoyl-CoA hydratase and 3-hydroxyacyl CoA dehydrogenase; minus strand). Cytogenetic location: 3q27.2.
Variant type: single nucleotide variant.
Coding change: c.445C>G on transcript NM_001966.4 (MANE Select); coding-DNA position 445, C replaced by G.
Protein change: p.Leu149Val; replaces leucine 149 with valine.
Molecular consequence: missense variant.
Genome position (GRCh38, 1-based): chr3:185,229,450, G>C on the plus strand (C>G on the coding strand, the complement: EHHADH is on the minus strand). VCF-style: chr3-185229450-G-C. GRCh37 (hg19) VCF-style: chr3-184947238-G-C.
Other names: c.157C>G, p.Leu53Val (NM_001166415.2); short protein forms L53V, L149V.
Identifiers: ClinVar variation 3087800 (VCV003087800.2), dbSNP rs990265372, ClinGen allele CA89578970.
Genomic context (GRCh38, chr3:185,229,450, plus strand): 5'-TTCACACTAATCTAGACAGTTGTTGCCAAGGTCTATACTGACCTGAGGTAATTAAGTCAA[G>C]TGCAGCAGGAACTCCAGTGAGTCTGGGGAGAAGCTGGGTTCCTCTTGCACCAGGGAGAAG-3'
Protein context (NP_001957.2, residues 139-159): LPRLTGVPAA[Leu149Val]DLITSGRRIL